The following is an entry in ClinVar:

NM_025074.7(FRAS1):c.9239G>A (p.Arg3080His)

Gene: FRAS1 (Fraser extracellular matrix complex subunit 1; plus strand). Cytogenetic location: 4q21.21.
Variant type: single nucleotide variant.
Coding change: c.9239G>A on transcript NM_025074.7 (MANE Select); coding-DNA position 9239, G replaced by A.
Protein change: p.Arg3080His; replaces arginine 3080 with histidine.
Molecular consequence: missense variant.
Genome position (GRCh38, 1-based): chr4:78,499,844, G>A. VCF-style: chr4-78499844-G-A. GRCh37 (hg19) VCF-style: chr4-79420998-G-A.
Other names: c.9239G>A (NM_025074.6); short protein forms R3080H.
Identifiers: ClinVar variation 3768214 (VCV003768214.2).

ClinVar aggregate classification (germline): Uncertain significance. Review status: criteria provided, multiple submitters, no conflicts (2 of 4 stars). 2 submissions from 2 submitters: Uncertain significance (2). Last evaluated 2025-02-19.

gnomAD v4.1: 6 of 1,613,362 alleles (0.00037%); highest among the groups gnomAD compares: Non-Finnish European, 0.00051%; no homozygotes.

Submissions (2):

GeneDx
Classification: Uncertain significance. Last evaluated: 2025-02-19. Review status: criteria provided, single submitter. Criteria: GeneDx Variant Classification Process June 2021. Collection method: clinical testing. Allele origin: germline. Affected: yes.
Comment: Not observed at significant frequency in large population cohorts (gnomAD); In silico analysis supports that this missense variant has a deleterious effect on protein structure/function; Has not been previously published as pathogenic or benign to our knowledge

Women's Health and Genetics/Laboratory Corporation of America, LabCorp
Classification: Uncertain significance. Last evaluated: 2024-12-06. Review status: criteria provided, single submitter. Criteria: LabCorp Variant Classification Summary - May 2015. Collection method: clinical testing. Allele origin: germline.
Comment: Variant summary: FRAS1 c.9239G>A (p.Arg3080His) results in a non-conservative amino acid change located in the Domains in Na-Ca exchangers and integrin-beta4 domain (IPR003644) of the encoded protein sequence. Four of five in-silico tools predict a damaging effect of the variant on protein function. The variant allele was found at a frequency of 4e-06 in 248848 control chromosomes. The available data on variant occurrences in the general population are insufficient to allow any conclusion about variant significance. To our knowledge, no occurrence of c.9239G>A in individuals affected with Cryptophthalmos Syndrome and no experimental evidence demonstrating its impact on protein function have been reported. No submitters have cited clinical-significance assessments for this variant to ClinVar. Based on the evidence outlined above, the variant was classified as uncertain significance.